The following is an entry in ClinVar:

ClinVar aggregate classification (germline): Uncertain significance (1 of 4 stars; one submission).

Conditions:
Neurodevelopmental disorder with involuntary movements (NEDIM). Identifiers: Orphanet 592564, MedGen C4479569, MONDO:0060491, OMIM 617493.

Allele frequency attached by ClinVar (database versions not stated): ExAC 0.00001; gnomAD exomes 0.00001.
gnomAD v4.1: 8 of 1,511,364 alleles (0.00053%); highest among the groups gnomAD compares: South Asian, 0.0023%; no homozygotes.

Submission:

Laboratory of Medical Genetics, National & Kapodistrian University of Athens
Classification: Uncertain significance for Neurodevelopmental disorder with involuntary movements. Last evaluated: 2021-10-14. Review status: criteria provided, single submitter. Criteria: ACMG Guidelines, 2015. Collection method: clinical testing. Allele origin: maternal. Affected: yes.
Comment: PM1, PM2, PP3

NM_020988.3(GNAO1):c.723+6975A>G

Gene: GNAO1 (G protein subunit alpha o1; plus strand). Cytogenetic location: 16q13.
Variant type: single nucleotide variant.
Coding change: c.723+6975A>G on transcript NM_020988.3 (MANE Select); 6975 bases into the intron after coding-DNA position 723, A replaced by G.
Molecular consequence: intron variant. On other transcripts: missense variant (1).
Genome position (GRCh38, 1-based): chr16:56,343,835, A>G. VCF-style: chr16-56343835-A-G. GRCh37 (hg19) VCF-style: chr16-56377747-A-G.
Other names: c.950A>G, p.Lys317Arg (NM_138736.3); short protein forms K317R.
Identifiers: ClinVar variation 1708071 (VCV001708071.1), dbSNP rs781482854, ClinGen allele CA8063931.
Genomic context (GRCh38, chr16:56,343,835, plus strand): 5'-TCACAGAAGCCGTGGCTTACATCCAGGCCCAGTACGAGAGCAAGAACAAGTCAGCCCACA[A>G]AGAGATCTACACCCACGTCACCTGCGCCACGGACACCAACAACATCCAGTTTGTCTTTGA-3'